The following is an entry in ClinVar:

ClinVar aggregate classification (germline): Uncertain significance. Review status: criteria provided, multiple submitters, no conflicts (2 of 4 stars). 2 submissions from 2 submitters: Uncertain significance (2). Last evaluated 2025-04-07.

Conditions:
Cardiovascular phenotype. Identifiers: MedGen CN230736.

Allele frequency attached by ClinVar (database versions not stated): gnomAD 0.00001; TOPMed 0.00001.
gnomAD v4.1: 22 of 1,611,544 alleles (0.0014%); highest among the groups gnomAD compares: Non-Finnish European, 0.0019%; no homozygotes.

Submissions (2):

Women's Health and Genetics/Laboratory Corporation of America, LabCorp
Classification: Uncertain significance. Last evaluated: 2025-04-07. Review status: criteria provided, single submitter. Criteria: LabCorp Variant Classification Summary - May 2015. Collection method: clinical testing. Allele origin: germline.

Ambry Genetics
Classification: Uncertain significance for Cardiovascular phenotype. Last evaluated: 2020-01-03. Review status: criteria provided, single submitter. Criteria: Ambry Variant Classification Scheme 2023. Collection method: clinical testing. Allele origin: germline.
Comment: The p.D13689N variant (also known as c.41065G>A), located in coding exon 148 of the TTN gene, results from a G to A substitution at nucleotide position 41065. The aspartic acid at codon 13689 is replaced by asparagine, an amino acid with highly similar properties. This amino acid position is not well conserved in available vertebrate species. In addition, this alteration is predicted to be tolerated by in silico analysis. Since supporting evidence is limited at this time, the clinical significance of this alteration remains unclear.

NM_001267550.2(TTN):c.68260G>A (p.Asp22754Asn)

Genes: TTN (titin; minus strand), TTN-AS1 (TTN antisense RNA 1; plus strand), LOC126806423 (CDK7 strongly-dependent group 2 enhancer GRCh37_chr2:179443309-179444508; plus strand). Cytogenetic location: 2q31.2.
Variant type: single nucleotide variant.
Coding change: c.68260G>A on transcript NM_001267550.2 (MANE Select); coding-DNA position 68260, G replaced by A.
Protein change: p.Asp22754Asn; replaces aspartic acid 22754 with asparagine.
Molecular consequence: missense variant.
Genome position (GRCh38, 1-based): chr2:178,578,680, C>T on the plus strand (G>A on the coding strand, the complement: TTN is on the minus strand). VCF-style: chr2-178578680-C-T. GRCh37 (hg19) VCF-style: chr2-179443407-C-T.
Other names: c.63337G>A, p.Asp21113Asn (NM_001256850.1); c.41065G>A, p.Asp13689Asn (NM_003319.4); c.60556G>A, p.Asp20186Asn (NM_133378.4); c.41440G>A, p.Asp13814Asn (NM_133432.3); c.41641G>A, p.Asp13881Asn (NM_133437.4); short protein forms D21113N, D13881N, D13689N, D13814N, D20186N, D22754N.
Identifiers: ClinVar variation 1737883 (VCV001737883.4), dbSNP rs755823330, ClinGen allele CA61006104.
Genomic context (GRCh38, chr2:178,578,680, plus strand): 5'-GAGAACCACCAGTTTTCTTGGGGTCAGTCCAAGTTAGAGATACTGAATCGTGTCTGACAT[C>T]CACAATATTGGGAGGTGGGGGAGCATCAGGCACATCTAGAAAAAAGTAGATAATGCAAGA-3'
Protein context (NP_001254479.2, residues 22744-22764): PDAPPPPNIV[Asp22754Asn]VRHDSVSLTW